The following is an entry in ClinVar:

NM_001122630.2(CDKN1C):c.98G>T (p.Arg33Leu)

Gene: CDKN1C (cyclin dependent kinase inhibitor 1C; minus strand). Cytogenetic location: 11p15.4.
Variant type: single nucleotide variant.
Coding change: c.98G>T on transcript NM_001122630.2 (MANE Select); coding-DNA position 98, G replaced by T.
Protein change: p.Arg33Leu; replaces arginine 33 with leucine.
Molecular consequence: missense variant.
Genome position (GRCh38, 1-based): chr11:2,885,359, C>A on the plus strand (G>T on the coding strand, the complement: CDKN1C is on the minus strand). VCF-style: chr11-2885359-C-A. GRCh37 (hg19) VCF-style: chr11-2906589-C-A.
Other names: c.131G>T, p.Arg44Leu (LRG_533t1, NM_000076.2, NM_001362474.2); c.98G>T, p.Arg33Leu (NM_001122631.2, NM_001362475.2); short protein forms R44L, R33L.
Identifiers: ClinVar variation 453990 (VCV000453990.12), dbSNP rs1477382841, ClinGen allele CA379147659.

ClinVar aggregate classification (germline): Uncertain significance. Review status: criteria provided, multiple submitters, no conflicts (2 of 4 stars). 4 submissions from 4 submitters: Uncertain significance (4). Last evaluated 2026-08-01.

Conditions:
Beckwith-Wiedemann syndrome (BWS). Also called: Exomphalos macroglossia gigantism syndrome; EMG SYNDROME. Identifiers: Orphanet 116, MedGen C0004903, MONDO:0007534, OMIM 130650.
IMAGe syndrome. Also called: Intrauterine growth retardation, metaphyseal dysplasia, adrenal hypoplasia congenita, and genital anomalies; Intrauterine Growth Restriction, Metaphyseal Dysplasia, Adrenal Hypoplasia Congenita, and Genital Anomalies. Identifiers: Orphanet 85173, MedGen C1846009, MONDO:0013873, OMIM 614732.

Allele frequency attached by ClinVar (database versions not stated): TOPMed below 0.00001; gnomAD exomes below 0.00001.

Submissions (4):

CeGaT Center for Human Genetics Tuebingen
Classification: Uncertain significance. Last evaluated: 2026-08-01. Review status: criteria provided, single submitter. Criteria: CeGaT Center For Human Genetics Tuebingen Variant Classification Criteria Version 2. Collection method: clinical testing. Allele origin: germline. Affected: yes. Observed: 1 variant allele.
Comment: CDKN1C: PM2:Supporting, PP3

Labcorp Genetics (formerly Invitae), Labcorp
Classification: Uncertain significance for Beckwith-Wiedemann syndrome. Last evaluated: 2024-11-18. Review status: criteria provided, single submitter. Criteria: Invitae Variant Classification Sherloc (09022015). Collection method: clinical testing. Allele origin: germline.
Comment: This sequence change replaces arginine, which is basic and polar, with leucine, which is neutral and non-polar, at codon 44 of the CDKN1C protein (p.Arg44Leu). The frequency data for this variant in the population databases is considered unreliable, as metrics indicate poor data quality at this position in the gnomAD database. This variant has not been reported in the literature in individuals affected with CDKN1C-related conditions. ClinVar contains an entry for this variant (Variation ID: 453990). Invitae Evidence Modeling of protein sequence and biophysical properties (such as structural, functional, and spatial information, amino acid conservation, physicochemical variation, residue mobility, and thermodynamic stability) indicates that this missense variant is not expected to disrupt CDKN1C protein function with a negative predictive value of 80%. In summary, the available evidence is currently insufficient to determine the role of this variant in disease. Therefore, it has been classified as a Variant of Uncertain Significance.

Baylor Genetics
Classification: Uncertain significance for Beckwith-Wiedemann syndrome. Last evaluated: 2023-12-24. Review status: criteria provided, single submitter. Criteria: ACMG Guidelines, 2015. Collection method: clinical testing. Allele origin: unknown.

Fulgent Genetics
Classification: Uncertain significance for Beckwith-Wiedemann syndrome; IMAGe syndrome. Last evaluated: 2021-08-12. Review status: criteria provided, single submitter. Criteria: ACMG Guidelines, 2015. Collection method: clinical testing. Allele origin: unknown.